The following is an entry in ClinVar:

NM_017617.5(NOTCH1):c.2644G>A (p.Ala882Thr)

Gene: NOTCH1 (notch receptor 1; minus strand). Cytogenetic location: 9q34.3.
Variant type: single nucleotide variant.
Coding change: c.2644G>A on transcript NM_017617.5 (MANE Select); coding-DNA position 2644, G replaced by A.
Protein change: p.Ala882Thr; replaces alanine 882 with threonine.
Molecular consequence: missense variant.
Genome position (GRCh38, 1-based): chr9:136,510,749, C>T on the plus strand (G>A on the coding strand, the complement: NOTCH1 is on the minus strand). VCF-style: chr9-136510749-C-T. GRCh37 (hg19) VCF-style: chr9-139405201-C-T.
Other names: c.2644G>A (NM_017617.4); short protein forms A882T.
Identifiers: ClinVar variation 941939 (VCV000941939.16), dbSNP rs767886377, ClinGen allele CA5341212.

ClinVar aggregate classification (germline): Conflicting classifications of pathogenicity. Review status: criteria provided, conflicting classifications (1 of 4 stars). 6 submissions from 5 submitters: Uncertain significance (4); Benign (1). 1 of the submissions does not count toward it. Last evaluated 2024-06-21.

Conditions:
Aortic valve disease 1 (AOVD1). Identifiers: MedGen C3887892, MONDO:0024523, OMIM 109730.
Adams-Oliver syndrome 5 (AOS5). Identifiers: Orphanet 974, MedGen C4014970, MONDO:0014459, OMIM 616028.
Familial thoracic aortic aneurysm and aortic dissection (TAAD). Also called: Thoracic aortic aneurysms and dissections. Identifiers: Orphanet 91387, MedGen C4707243, MONDO:0019625.
NOTCH1-related disorder. Also called: NOTCH1-related condition; NOTCH1-related disorders.

Allele frequency attached by ClinVar (database versions not stated): gnomAD 0.00001 and 0.00002; ExAC 0.00002; gnomAD exomes 0.00002.
gnomAD v4.1: 12 of 1,610,490 alleles (0.00075%); highest among the groups gnomAD compares: South Asian, 0.0066%; no homozygotes.

Submissions (6):

Labcorp Genetics (formerly Invitae), Labcorp
Classification: Benign for Adams-Oliver syndrome 5. Last evaluated: 2024-06-21. Review status: criteria provided, single submitter. Criteria: Invitae Variant Classification Sherloc (09022015). Collection method: clinical testing. Allele origin: germline.

Genome-Nilou Lab
Classification: Uncertain significance for Adams-Oliver syndrome 5. Last evaluated: 2022-03-15. Review status: criteria provided, single submitter. Criteria: ACMG Guidelines, 2015. Collection method: clinical testing. Allele origin: germline. Affected: no.

Genome-Nilou Lab
Classification: Uncertain significance for Aortic valve disease 1. Last evaluated: 2022-03-15. Review status: criteria provided, single submitter. Criteria: ACMG Guidelines, 2015. Collection method: clinical testing. Allele origin: germline. Affected: no.

Ambry Genetics
Classification: Uncertain significance for Familial thoracic aortic aneurysm and aortic dissection. Last evaluated: 2021-05-27. Review status: criteria provided, single submitter. Criteria: Ambry Variant Classification Scheme 2023. Collection method: clinical testing. Allele origin: germline.
Comment: The p.A882T variant (also known as c.2644G>A), located in coding exon 17 of the NOTCH1 gene, results from a G to A substitution at nucleotide position 2644. The alanine at codon 882 is replaced by threonine, an amino acid with similar properties. This amino acid position is well conserved in available vertebrate species. In addition, the in silico prediction for this alteration is inconclusive. Since supporting evidence is limited at this time, the clinical significance of this alteration remains unclear.

Center for Genomics, Ann and Robert H. Lurie Children's Hospital of Chicago
Classification: Uncertain significance for Adams-Oliver syndrome 5; Aortic valve disease 1. Review status: criteria provided, single submitter. Criteria: ACMG Guidelines, 2015. Collection method: clinical testing. Allele origin: germline.
Comment: NOTCH1 NM_017617.4 exon 17 p.Ala882Thr (c.2644G>A): This variant has not been reported in the literature but is present in 0.001% (1/64566) of European alleles in the Genome Aggregation Database. This variant is present in ClinVar (Variation ID:941939). Evolutionary conservation and computational predictive tools suggest that this variant may impact the protein. In summary, data on this variant is insufficient for disease classification. Therefore, the clinical significance of this variant is uncertain.

PreventionGenetics, part of Exact Sciences
Classification: Uncertain significance for NOTCH1-related condition. Last evaluated: 2024-07-26. Review status: no assertion criteria provided. Collection method: clinical testing. Allele origin: germline. Not counted in ClinVar's aggregate classification.
Comment: The NOTCH1 c.2644G>A variant is predicted to result in the amino acid substitution p.Ala882Thr. To our knowledge, this variant has not been reported in the literature. This variant is reported in 0.0065% of alleles in individuals of South Asian descent in gnomAD and has conflicting interpretations of uncertain and benign in ClinVar. At PreventionGenetics, this variant has been identified in multiple individuals tested for phenotypes not related to NOTCH1 disorders (Internal Data). Although we suspect that this variant may be benign, at this time, the clinical significance of this variant is uncertain due to the absence of conclusive functional and genetic evidence.